The following is an entry in ClinVar:

ClinVar aggregate classification (germline): Conflicting classifications of pathogenicity. Review status: criteria provided, conflicting classifications (1 of 4 stars). 2 submissions from 2 submitters: Uncertain significance (1); Likely benign (1). Last evaluated 2024-11-10.

Allele frequency attached by ClinVar (database versions not stated): gnomAD exomes below 0.00001; TOPMed below 0.00001.
gnomAD v4.1: 8 of 1,613,922 alleles (0.0005%); highest among the groups gnomAD compares: Non-Finnish European, 0.00051%; no homozygotes.

Submissions (2):

Labcorp Genetics (formerly Invitae), Labcorp
Classification: Likely benign. Last evaluated: 2024-11-10. Review status: criteria provided, single submitter. Criteria: Invitae Variant Classification Sherloc (09022015). Collection method: clinical testing. Allele origin: germline.

GeneDx
Classification: Uncertain significance. Last evaluated: 2022-12-06. Review status: criteria provided, single submitter. Criteria: GeneDx Variant Classification Process June 2021. Collection method: clinical testing. Allele origin: germline. Affected: yes.
Comment: Has not been previously published as pathogenic or benign to our knowledge; Not observed at significant frequency in large population cohorts (gnomAD); In silico analysis supports a deleterious effect on splicing

NM_001854.4(COL11A1):c.4536G>A (p.Lys1512=)

Gene: COL11A1 (collagen type XI alpha 1 chain; minus strand). Cytogenetic location: 1p21.1.
Variant type: single nucleotide variant.
Coding change: c.4536G>A on transcript NM_001854.4 (MANE Select); coding-DNA position 4536, G replaced by A.
Protein change: p.Lys1512=; no amino-acid change (lysine 1512 retained).
Molecular consequence: synonymous variant. On other transcripts: non-coding transcript variant (1).
Genome position (GRCh38, 1-based): chr1:102,888,741, C>T on the plus strand (G>A on the coding strand, the complement: COL11A1 is on the minus strand). VCF-style: chr1-102888741-C-T. GRCh37 (hg19) VCF-style: chr1-103354297-C-T.
Other names: c.4188G>A, p.Lys1396= (NM_001168249.1, NM_080630.4); c.4419G>A, p.Lys1473= (NM_001190709.2); c.4572G>A, p.Lys1524= (NM_080629.3).
Identifiers: ClinVar variation 2504706 (VCV002504706.3), dbSNP rs1254445828, ClinGen allele CA419253857.
Genomic context (GRCh38, chr1:102,888,741, plus strand): 5'-GTTTCAATGCAAAATTAAATTGTCAAAGGGAAAAGTACTTACAGTAGAGCCTTTGTTACC[C>T]TTTGGGCCTTGAGGACCCTACAAAATGCAAATGCAAAAGCACAGATAAAAATCTGGAGCA-3'
Protein context (NP_001845.3, residues 1502-1522): PPGLPGPQGP[Lys1512=]GNKGSTGPAG